The following is an entry in ClinVar:

NM_004370.6(COL12A1):c.5242ACA[1] (p.Thr1749del)

Gene: COL12A1 (collagen type XII alpha 1 chain; minus strand). Cytogenetic location: 6q13.
Variant type: Microsatellite.
Coding change: c.5242ACA[1] on transcript NM_004370.6 (MANE Select); one copy of the 3-base unit ACA starting at c.5242; the reference has two copies in a row; one copy, 3 bases deleted; also written c.5245_5247del.
Protein change: p.Thr1749del; deletes threonine 1749.
Molecular consequence: inframe deletion. On other transcripts: intron variant (1).
Genome position (GRCh38, 1-based): chr6:75,138,324-75,138,326, TGT deleted on the plus strand (ACA on the coding strand, the reverse complement: COL12A1 is on the minus strand); deleting any 3 consecutive bases within chr6:75,138,324-75,138,330 gives the same sequence; the position shown is the placement nearest the transcript's 3' end. VCF-style (leftmost placement, unchanged base first): chr6-75138323-GTGT-G. GRCh37 (hg19) VCF-style: chr6-75848039-GTGT-G.
Other names: p.Thr1749del; c.5245_5247del (NM_004370.6); c.5242ACA[1], p.Thr1749del (NM_001424113.1); c.4969ACA[1], p.Thr1658del (NM_001424115.1); c.1750ACA[1], p.Thr585del (NM_001424116.1, NM_080645.3); c.5230+122_5230+124del (NM_001424114.1); short protein forms T1658del, T1749del, T585del.
Identifiers: ClinVar variation 4541184 (VCV004541184.2).

ClinVar aggregate classification (germline): Uncertain significance. Review status: criteria provided, multiple submitters, no conflicts (2 of 4 stars). 2 submissions from 2 submitters: Uncertain significance (2). Last evaluated 2026-01-26.

Conditions:
Bethlem myopathy 2 (BTHLM2). Identifiers: Orphanet 536516, Orphanet 610, MedGen C4225313, MONDO:0034022, OMIM 616471.
Ullrich congenital muscular dystrophy 2 (UCMD2). Identifiers: Orphanet 75840, MedGen C4225314, MONDO:0014654, OMIM 616470.

Submissions (2):

Labcorp Genetics (formerly Invitae), Labcorp
Classification: Uncertain significance for Bethlem myopathy 2; Ullrich congenital muscular dystrophy 2. Last evaluated: 2026-01-26. Review status: criteria provided, single submitter. Criteria: Invitae Variant Classification Sherloc (09022015). Collection method: clinical testing. Allele origin: germline.
Comment: This variant, c.5245_5247del, results in the deletion of 1 amino acid(s) of the COL12A1 protein (p.Thr1749del), but otherwise preserves the integrity of the reading frame. This variant is not present in population databases (gnomAD no frequency). This variant has not been reported in the literature in individuals affected with COL12A1-related conditions. Experimental studies and prediction algorithms are not available or were not evaluated, and the functional significance of this variant is currently unknown. In summary, the available evidence is currently insufficient to determine the role of this variant in disease. Therefore, it has been classified as a Variant of Uncertain Significance.

Mayo Clinic Laboratories, Mayo Clinic
Classification: Uncertain significance. Last evaluated: 2025-11-09. Review status: criteria provided, single submitter. Criteria: ACMG Guidelines, 2015. Collection method: clinical testing. Allele origin: germline. Observed: 1 variant allele.
Comment: PM2_supporting, PM4